The following is an entry in ClinVar:

ClinVar aggregate classification (germline): Uncertain significance. Review status: criteria provided, multiple submitters, no conflicts (2 of 4 stars). 2 submissions from 2 submitters: Uncertain significance (2). Last evaluated 2022-05-25.

Allele frequency attached by ClinVar (database versions not stated): gnomAD exomes below 0.00001.
gnomAD v4.1: 1 of 1,614,110 alleles (0.000062%); highest among the groups gnomAD compares: African/African-American, 0.0013%; no homozygotes.

Submissions (2):

GeneDx
Classification: Uncertain significance. Last evaluated: 2022-05-25. Review status: criteria provided, single submitter. Criteria: GeneDx Variant Classification Process June 2021. Collection method: clinical testing. Allele origin: germline. Affected: yes.
Comment: Not observed at significant frequency in large population cohorts (gnomAD); In silico analysis supports that this missense variant does not alter protein structure/function; Has not been previously published as pathogenic or benign to our knowledge

Revvity Omics, Revvity
Classification: Uncertain significance. Last evaluated: 2019-12-03. Review status: criteria provided, single submitter. Criteria: ACMG Guidelines, 2015. Collection method: clinical testing. Allele origin: germline.

NM_000525.4(KCNJ11):c.335C>A (p.Thr112Asn)

Gene: KCNJ11 (potassium inwardly rectifying channel subfamily J member 11; minus strand). Cytogenetic location: 11p15.1.
Variant type: single nucleotide variant.
Coding change: c.335C>A on transcript NM_000525.4 (MANE Select); coding-DNA position 335, C replaced by A.
Protein change: p.Thr112Asn; replaces threonine 112 with asparagine.
Molecular consequence: missense variant.
Genome position (GRCh38, 1-based): chr11:17,387,757, G>T on the plus strand (C>A on the coding strand, the complement: KCNJ11 is on the minus strand). VCF-style: chr11-17387757-G-T. GRCh37 (hg19) VCF-style: chr11-17409304-G-T.
Other names: c.74C>A, p.Thr25Asn (NM_001166290.2, NM_001377296.1, NM_001377297.1); short protein forms T112N, T25N.
Identifiers: ClinVar variation 1800834 (VCV001800834.4), dbSNP rs2496411183, ClinGen allele CA379774363.